The following is an entry in ClinVar:

NC_012920.1(MT-ND2):m.4560G>A

Gene: MT-ND2 (mitochondrially encoded NADH dehydrogenase 2; plus strand).
Variant type: single nucleotide variant.
Genome position: chrM-4560-G-A.
Identifiers: ClinVar variation 692462 (VCV000692462.1), dbSNP rs1603219511, ClinGen allele CA414774747.

ClinVar aggregate classification (germline): Benign (1 of 4 stars; one submission).

Conditions:
Leigh syndrome (NULS). Also called: Leigh's necrotizing encephalopathy; Leigh's disease; Leigh Syndrome (mtDNA deletion); Leigh Disease; Subacute necrotizing encephalopathy; Necrotizing encephalopathy infantile subacute of Leigh. Identifiers: Orphanet 506, MedGen C2931891, MONDO:0009723, OMIM 256000.

Submission:

Wong Mito Lab, Molecular and Human Genetics, Baylor College of Medicine
Classification: Benign for Leigh syndrome. Last evaluated: 2019-10-17. Review status: criteria provided, single submitter. Criteria: Modified ACMG Guidelines (Unpublished). Collection method: clinical testing. Allele origin: germline.
Comment: The NC_012920.1:m.4560G>A (YP_003024027.1:p.Val31Met) variant in MTND2 gene is interpretated to be a Benign variant based on the modified ACMG guidelines (unpublished). This variant meets the following evidence codes: BS1, BS4, BP4